The following is an entry in ClinVar:

NM_000742.4(CHRNA2):c.733T>A (p.Tyr245Asn)

Gene: CHRNA2 (cholinergic receptor nicotinic alpha 2 subunit; minus strand). Cytogenetic location: 8p21.2.
Variant type: single nucleotide variant.
Coding change: c.733T>A on transcript NM_000742.4 (MANE Select); coding-DNA position 733, T replaced by A.
Protein change: p.Tyr245Asn; replaces tyrosine 245 with asparagine.
Molecular consequence: missense variant.
Genome position (GRCh38, 1-based): chr8:27,463,710, A>T on the plus strand (T>A on the coding strand, the complement: CHRNA2 is on the minus strand). VCF-style: chr8-27463710-A-T. GRCh37 (hg19) VCF-style: chr8-27321227-A-T.
Other names: c.688T>A, p.Tyr230Asn (NM_001282455.2); c.256T>A, p.Tyr86Asn (NM_001347705.2, NM_001347706.2); c.139T>A, p.Tyr47Asn (NM_001347707.2, NM_001347708.2); short protein forms Y245N, Y230N, Y47N, Y86N.
Identifiers: ClinVar variation 1758411 (VCV001758411.2), dbSNP rs2490540945, ClinGen allele CA370810877.

ClinVar aggregate classification (germline): Uncertain significance (1 of 4 stars; one submission).

Conditions:
Inborn genetic diseases. Identifiers: MedGen C0950123, MeSH D030342.

Submission:

Ambry Genetics
Classification: Uncertain significance for Inborn genetic diseases. Last evaluated: 2018-07-16. Review status: criteria provided, single submitter. Criteria: Ambry Variant Classification Scheme 2023. Collection method: clinical testing. Allele origin: germline.
Comment: The p.Y245N variant (also known as c.733T>A), located in coding exon 5 of the CHRNA2 gene, results from a T to A substitution at nucleotide position 733. The tyrosine at codon 245 is replaced by asparagine, an amino acid with dissimilar properties. This amino acid position is highly conserved in available vertebrate species. In addition, this alteration is predicted to be deleterious by in silico analysis. Since supporting evidence is limited at this time, the clinical significance of this alteration remains unclear.